The following is an entry in ClinVar:

NM_001191058.4(PDE1C):c.264G>T (p.Leu88Phe)

Gene: PDE1C (phosphodiesterase 1C; minus strand). Cytogenetic location: 7p14.3.
Variant type: single nucleotide variant.
Coding change: c.264G>T on transcript NM_001191058.4; coding-DNA position 264, G replaced by T.
Protein change: p.Leu88Phe; replaces leucine 88 with phenylalanine.
Molecular consequence: missense variant.
Genome position (GRCh38, 1-based): chr7:32,169,829, C>A on the plus strand (G>T on the coding strand, the complement: PDE1C is on the minus strand). VCF-style: chr7-32169829-C-A. GRCh37 (hg19) VCF-style: chr7-32209441-C-A.
Other names: c.264G>T, p.Leu88Phe (NM_001322058.2); c.489G>T, p.Leu163Phe (NM_001322059.2); short protein forms L163F, L88F.
Identifiers: ClinVar variation 2399046 (VCV002399046.4), dbSNP rs190821640, ClinGen allele CA4211392.

ClinVar aggregate classification (germline): Conflicting classifications of pathogenicity. Review status: criteria provided, conflicting classifications (1 of 4 stars). 3 submissions from 3 submitters: Uncertain significance (2); Likely benign (1). Last evaluated 2024-11-20.

Conditions:
PDE1C-related disorder. Also called: PDE1C-related condition.

Allele frequency attached by ClinVar (database versions not stated): TOPMed 0.00021; 1000 Genomes Project 0.00020; gnomAD exomes 0.00009; gnomAD 0.00021; ExAC 0.00009; 1000 Genomes Project 30x 0.00016.
gnomAD v4.1: 177 of 1,612,640 alleles (0.011%); highest among the groups gnomAD compares: Middle Eastern, 0.066%; no homozygotes.

Submissions (3):

Blueprint Genetics
Classification: Likely benign. Last evaluated: 2024-11-20. Review status: criteria provided, single submitter. Criteria: ACMG Guidelines, 2015. Collection method: clinical testing. Allele origin: germline.

PreventionGenetics, part of Exact Sciences
Classification: Uncertain significance for PDE1C-related condition. Last evaluated: 2024-10-28. Review status: criteria provided, single submitter. Criteria: ACMG Guidelines, 2015. Collection method: clinical testing. Allele origin: germline.
Comment: The PDE1C c.264G>T variant is predicted to result in the amino acid substitution p.Leu88Phe. To our knowledge, this variant has not been reported in the literature. This variant is reported in 0.035% of alleles in individuals of African descent in gnomAD. Although we suspect that this variant may be beningn, at this time, the clinical significance of this variant is uncertain due to the absence of conclusive functional and genetic evidence.

Ambry Genetics
Classification: Uncertain significance. Last evaluated: 2024-01-04. Review status: criteria provided, single submitter. Criteria: Ambry Variant Classification Scheme 2023. Collection method: clinical testing. Allele origin: germline.